The following is an entry in ClinVar:

ClinVar aggregate classification (germline): Uncertain significance (1 of 4 stars; one submission).

Conditions:
MHC class II deficiency. Also called: BLS, TYPE II; Bare lymphocyte syndrome 2. Identifiers: Orphanet 572, MedGen C5447452, MONDO:0008855.

gnomAD v4.1: 3 of 1,607,514 alleles (0.00019%); highest among the groups gnomAD compares: Non-Finnish European, 0.00017%; no homozygotes.

Submission:

Labcorp Genetics (formerly Invitae), Labcorp
Classification: Uncertain significance for MHC class II deficiency. Last evaluated: 2022-07-19. Review status: criteria provided, single submitter. Criteria: Invitae Variant Classification Sherloc (09022015). Collection method: clinical testing. Allele origin: germline.
Comment: This sequence change replaces alanine, which is neutral and non-polar, with valine, which is neutral and non-polar, at codon 518 of the CIITA protein (p.Ala518Val). This variant is not present in population databases (gnomAD no frequency). This variant has not been reported in the literature in individuals affected with CIITA-related conditions. ClinVar contains an entry for this variant (Variation ID: 1444629). Algorithms developed to predict the effect of missense changes on protein structure and function output the following: SIFT: "Tolerated"; PolyPhen-2: "Benign"; Align-GVGD: "Class C0". The valine amino acid residue is found in multiple mammalian species, which suggests that this missense change does not adversely affect protein function. Algorithms developed to predict the effect of sequence changes on RNA splicing suggest that this variant may create or strengthen a splice site. In summary, the available evidence is currently insufficient to determine the role of this variant in disease. Therefore, it has been classified as a Variant of Uncertain Significance.

NM_000246.4(CIITA):c.1553C>T (p.Ala518Val)

Gene: CIITA (class II major histocompatibility complex transactivator; plus strand). Cytogenetic location: 16p13.13.
Variant type: single nucleotide variant.
Coding change: c.1553C>T on transcript NM_000246.4 (MANE Select); coding-DNA position 1553, C replaced by T.
Protein change: p.Ala518Val; replaces alanine 518 with valine.
Molecular consequence: missense variant. On other transcripts: intron variant (1).
Genome position (GRCh38, 1-based): chr16:10,907,045, C>T. VCF-style: chr16-10907045-C-T. GRCh37 (hg19) VCF-style: chr16-11000902-C-T.
Other names: c.1556C>T, p.Ala519Val (NM_001286402.1, NM_001379332.1); c.1409C>T, p.Ala470Val (NM_001379330.1); c.1406C>T, p.Ala469Val (NM_001379331.1); c.1553C>T, p.Ala518Val (NM_001379333.1); c.1484C>T, p.Ala495Val (NM_001379334.1); c.860-1938C>T (NM_001286403.2); short protein forms A469V, A470V, A518V, A495V, A519V.
Identifiers: ClinVar variation 1444629 (VCV001444629.5), dbSNP rs979251376, ClinGen allele CA277745795.